The following is an entry in ClinVar:

ClinVar aggregate classification (germline): Pathogenic (1 of 4 stars; one submission).

Conditions:
Osteogenesis imperfecta type 8 (OI8). Identifiers: MedGen C1970458, MONDO:0012581, OMIM 610915.

Submission:

Labcorp Genetics (formerly Invitae), Labcorp
Classification: Pathogenic for Osteogenesis imperfecta type 8. Last evaluated: 2024-08-05. Review status: criteria provided, single submitter. Criteria: Invitae Variant Classification Sherloc (09022015). Collection method: clinical testing. Allele origin: germline.
Comment: This sequence change creates a premature translational stop signal (p.Glu219Asnfs*10) in the P3H1 gene. It is expected to result in an absent or disrupted protein product. Loss-of-function variants in P3H1 are known to be pathogenic (PMID: 17277775, 18566967, 19088120, 22281939). This variant is not present in population databases (gnomAD no frequency). This variant has not been reported in the literature in individuals affected with P3H1-related conditions. For these reasons, this variant has been classified as Pathogenic.

Literature cited by the submitters: PubMed 17277775; PubMed 18566967; PubMed 19088120; PubMed 22281939.

NM_022356.4(P3H1):c.655del (p.Glu219fs)

Gene: P3H1 (prolyl 3-hydroxylase 1; minus strand). Cytogenetic location: 1p34.2.
Variant type: Deletion.
Coding change: c.655del on transcript NM_022356.4 (MANE Select); coding-DNA position 655, one base deleted (G; older notation c.655delG).
Protein change: p.Glu219fs; shifts the reading frame from glutamic acid 219.
Molecular consequence: frameshift variant.
Genome position (GRCh38, 1-based): chr1:42,759,354, C deleted on the plus strand (G on the coding strand, the reverse complement: P3H1 is on the minus strand); the first of 2 consecutive C bases (chr1:42,759,354-42,759,355); deleting either gives the same sequence. VCF-style (leftmost placement, unchanged base first): chr1-42759353-TC-T. GRCh37 (hg19) VCF-style: chr1-43225024-TC-T.
Other names: c.655del, p.Glu219fs (NM_001146289.2, NM_001243246.2); short protein forms E219fs.
Identifiers: ClinVar variation 2766202 (VCV002766202.3), dbSNP rs2524473364, ClinGen allele CA2697552333.
Genomic context (GRCh38, chr1:42,759,353, plus strand): 5'-TAGGCCACAAAGTATTCTTGCAGCGCCGCCTCTAGGTGGGGCACAGCTTCCTGTGGCTGT[TC>T]CTCTGAGTAGAGTCGCACTCCCAGTCGAAATTCTTGCTACTGGGAAGAAGGAGCACTCAA-3'